The following is an entry in ClinVar:

ClinVar aggregate classification (germline): Uncertain significance (1 of 4 stars; one submission).

Conditions:
Epidermolysis bullosa simplex 5C, with pyloric atresia (EBS5C). Also called: PLEC-Related Epidermolysis Bullosa with Pyloric Atresia; Epidermolysis bullosa simplex with pyloric atresia; PLEC1-Related Epidermolysis Bullosa with Pyloric Atresia. Identifiers: Orphanet 158684, MedGen C2677349, MONDO:0012807, OMIM 612138.
Epidermolysis bullosa simplex 5B, with muscular dystrophy (EBS5B). Also called: EPIDERMOLYSIS BULLOSA SIMPLEX AND LIMB-GIRDLE MUSCULAR DYSTROPHY; Epidermolysis bullosa simplex with muscular dystrophy. Identifiers: Orphanet 257, MedGen C2931072, MONDO:0009181, OMIM 226670.
Epidermolysis bullosa simplex, Ogna type (EBS5A). Also called: Pidermolysis bullosa simplex 5A, Ogna type; EPIDERMOLYSIS BULLOSA SIMPLEX 5A, OGNA TYPE. Identifiers: Orphanet 79401, MedGen C0432317, MONDO:0007555, OMIM 131950.
Autosomal recessive limb-girdle muscular dystrophy type 2Q (LGMDR17). Also called: MUSCULAR DYSTROPHY, LIMB-GIRDLE, AUTOSOMAL RECESSIVE 17. Identifiers: Orphanet 254361, MedGen C3150989, MONDO:0013390, OMIM 613723.
Epidermolysis bullosa simplex with nail dystrophy (EBS5D). Identifiers: MedGen C4225309, MONDO:0014661, OMIM 616487.

Allele frequency attached by ClinVar (database versions not stated): TOPMed below 0.00001; gnomAD 0.00001.

Submission:

Labcorp Genetics (formerly Invitae), Labcorp
Classification: Uncertain significance for Autosomal recessive limb-girdle muscular dystrophy type 2Q; Epidermolysis bullosa simplex, Ogna type; Epidermolysis bullosa simplex with nail dystrophy; Epidermolysis bullosa simplex 5C, with pyloric atresia; Epidermolysis bullosa simplex 5B, with muscular dystrophy. Last evaluated: 2021-08-15. Review status: criteria provided, single submitter. Criteria: Invitae Variant Classification Sherloc (09022015). Collection method: clinical testing. Allele origin: germline.
Comment: This sequence change replaces glutamine with arginine at codon 1814 of the PLEC protein (p.Gln1814Arg). The glutamine residue is highly conserved and there is a small physicochemical difference between glutamine and arginine. The frequency data for this variant in the population databases is considered unreliable, as metrics indicate insufficient coverage at this position in the ExAC database. This variant has not been reported in the literature in individuals affected with PLEC-related conditions. Algorithms developed to predict the effect of missense changes on protein structure and function are either unavailable or do not agree on the potential impact of this missense change (SIFT: "Deleterious"; PolyPhen-2: "Not Available"; Align-GVGD: "Class C35"). In summary, the available evidence is currently insufficient to determine the role of this variant in disease. Therefore, it has been classified as a Variant of Uncertain Significance.

NM_201384.3(PLEC):c.5360A>G (p.Gln1787Arg)

Gene: PLEC (plectin; minus strand). Cytogenetic location: 8q24.3.
Variant type: single nucleotide variant.
Coding change: c.5360A>G on transcript NM_201384.3 (MANE Select); coding-DNA position 5360, A replaced by G.
Protein change: p.Gln1787Arg; replaces glutamine 1787 with arginine.
Molecular consequence: missense variant.
Genome position (GRCh38, 1-based): chr8:143,924,569, T>C on the plus strand (A>G on the coding strand, the complement: PLEC is on the minus strand). VCF-style: chr8-143924569-T-C. GRCh37 (hg19) VCF-style: chr8-144998737-T-C.
Other names: c.5441A>G, p.Gln1814Arg (NM_000445.5); c.5318A>G, p.Gln1773Arg (NM_201378.4); c.5294A>G, p.Gln1765Arg (NM_201379.3); c.5771A>G, p.Gln1924Arg (NM_201380.4); c.5264A>G, p.Gln1755Arg (NM_201381.3); c.5360A>G, p.Gln1787Arg (NM_201382.4); c.5372A>G, p.Gln1791Arg (NM_201383.3); short protein forms Q1765R, Q1773R, Q1814R, Q1787R, Q1755R, Q1791R, Q1924R.
Identifiers: ClinVar variation 1370473 (VCV001370473.6), dbSNP rs1554698122, ClinGen allele CA372545755.
Genomic context (GRCh38, chr8:143,924,569, plus strand): 5'-CGCAGGCGGGCGGCCTCCTCGGCCAGCTCGCGGAACCGGCCGGCCTCGGCCTCCAGCCTC[T>C]GCTTGGACTTCTCGCTGGTGGAGCGCGACTCCTCCTCAGCCCTCGCCTTGCTGGCCAGCA-3'
Protein context (NP_958786.1, residues 1777-1797): ESRSTSEKSK[Gln1787Arg]RLEAEAGRFR